The following is an entry in ClinVar:

NM_001754.5(RUNX1):c.546C>T (p.Asn182=)

Genes: RUNX1 (RUNX family transcription factor 1; minus strand), RUNX1-AS1 (RUNX1 antisense RNA 1; plus strand). Cytogenetic location: 21q22.12.
Variant type: single nucleotide variant.
Coding change: c.546C>T on transcript NM_001754.5 (MANE Select); coding-DNA position 546, C replaced by T.
Protein change: p.Asn182=; no amino-acid change (asparagine 182 retained).
Molecular consequence: synonymous variant.
Genome position (GRCh38, 1-based): chr21:34,859,541, G>A on the plus strand (C>T on the coding strand, the complement: RUNX1 is on the minus strand). VCF-style: chr21-34859541-G-A. GRCh37 (hg19) VCF-style: chr21-36231838-G-A.
Other names: NM_001754.5(RUNX1):c.546C>T; p.Asn182=; c.465C>T, p.Asn155= (NM_001001890.3, NM_001122607.2).
Identifiers: ClinVar variation 1148255 (VCV001148255.10), dbSNP rs773071163, ClinGen allele CA512319108.

ClinVar aggregate classification (germline): Likely benign. Review status: reviewed by expert panel (3 of 4 stars). 2 submissions from 2 submitters: Likely benign (1). 1 of the submissions does not count toward it. Last evaluated 2022-07-05.

Conditions:
Hereditary thrombocytopenia and hematological cancer predisposition syndrome associated with RUNX1. Also called: Familial Platelet Disorder with Propensity to Acute Myelogenous Leukemia; Familial thrombocytopenia with propensity to acute myelogenous leukemia; PLATELET DISORDER, ASPIRIN-LIKE; RUNX1 Familial Platelet Disorder with Associated Myeloid Malignancies. Identifiers: Orphanet 71290, MedGen C1832388, MeSH C563324, MONDO:0100083, OMIM 601399.
Hereditary thrombocytopenia and hematologic cancer predisposition syndrome. Identifiers: Orphanet 71290, MedGen CN281654, MONDO:0011071.

Submissions (2):

ClinGen Myeloid Malignancy Variant Curation Expert Panel
Classification: Likely benign for Hereditary thrombocytopenia and hematologic cancer predisposition syndrome. Last evaluated: 2022-07-05. Review status: reviewed by expert panel. Criteria: ClinGen MyeloMalig ACMG Specifications v2. Collection method: curation. Allele origin: germline. Inheritance: Autosomal dominant inheritance.
Comment: NM_001754.5(RUNX1):c.546C>T (p.Asn182=) is a synonymous variant. No REVEL score because synonymous variant and SpliceAI is ≤0.20 (0.00) meeting BP4. Evolutionary conservation prediction algorithms predict the site as not being conserved (phyloP 1.42 < 2.0) meeting BP7. In summary, this variant meets criteria to be classified as likely benign. ACMG/AMP criteria applied, as specified by the Myeloid Malignancy Variant Curation Expert Panel for RUNX1: BP4 and BP7.

Labcorp Genetics (formerly Invitae), Labcorp
Classification: Likely benign for Hereditary thrombocytopenia and hematological cancer predisposition syndrome associated with RUNX1. Last evaluated: 2025-08-07. Review status: criteria provided, single submitter. Criteria: Invitae Variant Classification Sherloc (09022015). Collection method: clinical testing. Allele origin: germline. Not counted in ClinVar's aggregate classification.